The following is an entry in ClinVar:

NM_000256.3(MYBPC3):c.996G>C (p.Glu332Asp)

Gene: MYBPC3 (myosin binding protein C3; minus strand). Cytogenetic location: 11p11.2.
Variant type: single nucleotide variant.
Coding change: c.996G>C on transcript NM_000256.3 (MANE Select); coding-DNA position 996, G replaced by C.
Protein change: p.Glu332Asp; replaces glutamic acid 332 with aspartic acid.
Molecular consequence: missense variant.
Genome position (GRCh38, 1-based): chr11:47,346,301, C>G on the plus strand (G>C on the coding strand, the complement: MYBPC3 is on the minus strand). VCF-style: chr11-47346301-C-G. GRCh37 (hg19) VCF-style: chr11-47367852-C-G.
Other names: short protein forms E332D.
Identifiers: ClinVar variation 4757803 (VCV004757803.1).
Genomic context (GRCh38, chr11:47,346,301, plus strand): 5'-GAGCCTCTTTAGCATGCCGCGCAGGTCAGTGACGCCGTACTGGAAGGCGATGCGCTCGTA[C>G]TCAGATGGGGGTGCCTGCCGTAGGATCTCCCACACGTCCTCCTCTGCTGGTGCCTCCAGC-3'
Protein context (NP_000247.2, residues 322-342): WEILRQAPPS[Glu332Asp]YERIAFQYGV

ClinVar aggregate classification (germline): Uncertain significance (1 of 4 stars; one submission).

Conditions:
Cardiomyopathy (CMYO). Also called: Cardiomyopathies. Identifiers: Orphanet 167848, MedGen C0878544, MONDO:0004994, HP:0001638. Inheritance: Various modes of inheritance.

Submission:

Color Diagnostics, LLC DBA Color Health
Classification: Uncertain significance for Cardiomyopathy. Last evaluated: 2025-08-24. Review status: criteria provided, single submitter. Criteria: ACMG Guidelines, 2015. Collection method: clinical testing. Allele origin: germline.
Comment: This missense variant replaces glutamic acid with aspartic acid at codon 332 of the MYBPC3 protein. Computational prediction suggests that this variant may not impact protein structure and function. To our knowledge, functional studies have not been reported for this variant. This variant has not been reported in individuals affected with MYBPC3-related disorders in the literature. This variant has not been identified in the general population by the Genome Aggregation Database (gnomAD). The available evidence is insufficient to determine the role of this variant in disease conclusively. Therefore, this variant is classified as a Variant of Uncertain Significance.